The following is an entry in ClinVar:

NM_000540.3(RYR1):c.8617-35C>T

Gene: RYR1 (ryanodine receptor 1; plus strand). Cytogenetic location: 19q13.2.
Variant type: single nucleotide variant.
Coding change: c.8617-35C>T on transcript NM_000540.3 (MANE Select); 35 bases into the intron before coding-DNA position 8617, C replaced by T.
Molecular consequence: intron variant.
Genome position (GRCh38, 1-based): chr19:38,506,436, C>T. VCF-style: chr19-38506436-C-T. GRCh37 (hg19) VCF-style: chr19-38997076-C-T.
Other names: c.8617-35C>T (NM_001042723.2).
Identifiers: ClinVar variation 133231 (VCV000133231.6), dbSNP rs2960344, ClinGen allele CA024937.

ClinVar aggregate classification (germline): Benign. Review status: criteria provided, multiple submitters, no conflicts (2 of 4 stars). 7 submissions from 5 submitters: Benign (6). 1 of the submissions does not count toward it. Last evaluated 2021-11-07.

Conditions:
King Denborough syndrome (KDS). Identifiers: MedGen C1840365, MONDO:0020485, OMIM 619542.
Congenital multicore myopathy with external ophthalmoplegia (CMYO1B). Also called: Minicore myopathy with external ophthalmoplegia; MULTIMINICORE DISEASE WITH EXTERNAL OPHTHALMOPLEGIA; Congenital myopathy 1B, autosomal recessive; Minicore myopathy; MULTICORE MYOPATHY. Identifiers: Orphanet 598, Orphanet 98905, MedGen C1850674, MONDO:0009712, OMIM 255320, HP:0003789.
Central core myopathy (CMYO1A). Also called: CONGENITAL MYOPATHY 1A, AUTOSOMAL DOMINANT, WITH SUSCEPTIBILITY TO MALIGNANT HYPERTHERMIA; Central core disease; Myopathy, central fibrillar. Identifiers: Orphanet 597, MedGen C5830701, MONDO:0007294, OMIM 117000.

Allele frequency attached by ClinVar (database versions not stated): ESP Exome Variant Server 0.30963; gnomAD 0.31588; gnomAD exomes 0.32163; ExAC 0.32353; TOPMed 0.33268; 1000 Genomes Project 30x 0.40256; 1000 Genomes Project 0.40615.
gnomAD v4.1: 452,745 of 1,613,498 alleles (28%); highest among the groups gnomAD compares: South Asian, 45%; 67,589 homozygotes.

Submissions (7):

Genome-Nilou Lab
Classification: Benign for Central core myopathy. Last evaluated: 2021-11-07. Review status: criteria provided, single submitter. Criteria: ACMG Guidelines, 2015. Collection method: clinical testing. Allele origin: germline. Affected: no.

Genome-Nilou Lab
Classification: Benign for King Denborough syndrome. Last evaluated: 2021-11-07. Review status: criteria provided, single submitter. Criteria: ACMG Guidelines, 2015. Collection method: clinical testing. Allele origin: germline. Affected: no.

Genome-Nilou Lab
Classification: Benign for Congenital multicore myopathy with external ophthalmoplegia. Last evaluated: 2021-11-07. Review status: criteria provided, single submitter. Criteria: ACMG Guidelines, 2015. Collection method: clinical testing. Allele origin: germline. Affected: no.

GeneDx
Classification: Benign. Last evaluated: 2018-06-14. Review status: criteria provided, single submitter. Criteria: GeneDx Variant Classification (06012015). Collection method: clinical testing. Allele origin: germline. Affected: yes.
Comment: This variant is considered likely benign or benign based on one or more of the following criteria: it is a conservative change, it occurs at a poorly conserved position in the protein, it is predicted to be benign by multiple in silico algorithms, and/or has population frequency not consistent with disease.

PreventionGenetics, part of Exact Sciences
Classification: Benign. Last evaluated: 2013-10-28. Review status: criteria provided, single submitter. Criteria: ACMG Guidelines, 2015. Collection method: clinical testing. Allele origin: germline.

Breakthrough Genomics
Classification: Benign. Review status: criteria provided, single submitter. Criteria: ACMG Guidelines, 2015. Collection method: not provided. Allele origin: germline. Inheritance: Autosomal recessive inheritance. Affected: yes.

RYR1 database
No classification provided. Review status: no classification provided. Collection method: not provided. Allele origin: unknown. Not counted in ClinVar's aggregate classification.